The following is an entry in ClinVar:

NM_001267550.2(TTN):c.29943C>T (p.Ser9981=)

Gene: TTN (titin; minus strand). Cytogenetic location: 2q31.2.
Variant type: single nucleotide variant.
Coding change: c.29943C>T on transcript NM_001267550.2 (MANE Select); coding-DNA position 29943, C replaced by T.
Protein change: p.Ser9981=; no amino-acid change (serine 9981 retained).
Molecular consequence: synonymous variant. On other transcripts: intron variant (3).
Genome position (GRCh38, 1-based): chr2:178,704,529, G>A on the plus strand (C>T on the coding strand, the complement: TTN is on the minus strand). VCF-style: chr2-178704529-G-A. GRCh37 (hg19) VCF-style: chr2-179569256-G-A.
Other names: c.28992C>T, p.Ser9664= (NM_001256850.1); c.26211C>T, p.Ser8737= (NM_133378.4); c.13282+33553C>T (NM_003319.4); c.13858+33553C>T (NM_133437.4); c.13657+33553C>T (NM_133432.3).
Identifiers: ClinVar variation 413078 (VCV000413078.15), dbSNP rs543490348, ClinGen allele CA1999282.

ClinVar aggregate classification (germline): Likely benign. Review status: criteria provided, multiple submitters, no conflicts (2 of 4 stars). 3 submissions from 3 submitters: Likely benign (3). Last evaluated 2025-12-18.

Conditions:
TTN-related disorder. Also called: TTN-related disorders; TTN-related condition; TTN-related disease.
Autosomal recessive limb-girdle muscular dystrophy type 2J (LGMDR10). Also called: Limb-girdle muscular dystrophy, type 2J; MUSCULAR DYSTROPHY, LIMB-GIRDLE, AUTOSOMAL RECESSIVE 10. Identifiers: Orphanet 140922, MedGen C1837342, MONDO:0012127, OMIM 608807.
Dilated cardiomyopathy 1G (CMD1G). Identifiers: Orphanet 154, MedGen C1858763, MONDO:0011400, OMIM 604145.

Allele frequency attached by ClinVar (database versions not stated): gnomAD 0.00001 and 0.00002; ExAC 0.00002; TOPMed 0.00002; gnomAD exomes 0.00003 and 0.00004; 1000 Genomes Project 30x 0.00016; 1000 Genomes Project 0.00020.
gnomAD v4.1: 65 of 1,610,428 alleles (0.004%); highest among the groups gnomAD compares: East Asian, 0.096%; 1 homozygote.

Submissions (3):

PreventionGenetics, part of Exact Sciences
Classification: Likely benign for TTN-related condition. Last evaluated: 2025-12-18. Review status: criteria provided, single submitter. Criteria: ACMG Guidelines, 2015. Collection method: clinical testing. Allele origin: germline.
Comment: This variant is classified as likely benign based on ACMG/AMP sequence variant interpretation guidelines (Richards et al. 2015 PMID: 25741868, with internal and published modifications).

Labcorp Genetics (formerly Invitae), Labcorp
Classification: Likely benign for Dilated cardiomyopathy 1G; Autosomal recessive limb-girdle muscular dystrophy type 2J. Last evaluated: 2025-02-03. Review status: criteria provided, single submitter. Criteria: Invitae Variant Classification Sherloc (09022015). Collection method: clinical testing. Allele origin: germline.

Revvity Omics, Revvity
Classification: Likely benign. Last evaluated: 2023-09-28. Review status: criteria provided, single submitter. Criteria: ACMG Guidelines, 2015. Collection method: clinical testing. Allele origin: germline.